The following is an entry in ClinVar:

NC_000014.9:g.(?_66508508)_(66681205_?)del

Gene: GPHN (gephyrin; plus strand). Cytogenetic location: 14q23.3.
Variant type: Deletion.
Identifiers: ClinVar variation 833426 (VCV000833426.4).

ClinVar aggregate classification (germline): Pathogenic (1 of 4 stars; one submission).

Conditions:
Sulfite oxidase deficiency due to molybdenum cofactor deficiency type C. Also called: Molybdenum cofactor deficiency, complementation group C; Molybdenum cofactor deficiency C. Identifiers: Orphanet 308400, Orphanet 833, MedGen C1854990, MONDO:0014212, OMIM 615501.

Submission:

Labcorp Genetics (formerly Invitae), Labcorp
Classification: Pathogenic for Sulfite oxidase deficiency due to molybdenum cofactor deficiency type C. Last evaluated: 2019-11-14. Review status: criteria provided, single submitter. Criteria: Invitae Variant Classification Sherloc (09022015). Collection method: clinical testing. Allele origin: germline.
Comment: This variant is a gross deletion of the genomic region encompassing exons 1-2 of the GPHN gene, which includes the initiator codon. The 5' end of this event is unknown as it extends beyond the assayed region for this gene and therefore may encompass additional genes. The 3' boundary is likely confined to intron 2 of the GPHN gene. This is expected to result in an absent or disrupted protein product. This variant has not been reported in the literature in individuals with GPHN-related conditions. Loss-of-function variants in GPHN are known to be pathogenic (PMID: 11095995, 23184456, 23393157). For these reasons, this variant has been classified as Pathogenic.

Literature cited by the submitters: PubMed 11095995; PubMed 23184456; PubMed 23393157.